The following is an entry in ClinVar:

NM_001458.5(FLNC):c.5000C>T (p.Thr1667Met)

Gene: FLNC (filamin C; plus strand). Cytogenetic location: 7q32.1.
Variant type: single nucleotide variant.
Coding change: c.5000C>T on transcript NM_001458.5 (MANE Select); coding-DNA position 5000, C replaced by T.
Protein change: p.Thr1667Met; replaces threonine 1667 with methionine.
Molecular consequence: missense variant.
Genome position (GRCh38, 1-based): chr7:128,849,379, C>T. VCF-style: chr7-128849379-C-T. GRCh37 (hg19) VCF-style: chr7-128489433-C-T.
Other names: c.5000C>T, p.Thr1667Met (NM_001127487.2); short protein forms T1667M.
Identifiers: ClinVar variation 472083 (VCV000472083.13), dbSNP rs753945728, ClinGen allele CA4475538.

ClinVar aggregate classification (germline): Conflicting classifications of pathogenicity. Review status: criteria provided, conflicting classifications (1 of 4 stars). 5 submissions from 5 submitters: Uncertain significance (4); Likely benign (1). Last evaluated 2026-01-09.

Conditions:
FLNC-related disorder. Also called: FLNC-related disorders; FLNC-related condition.
Myofibrillar myopathy 5. Also called: FILAMINOPATHY, AUTOSOMAL DOMINANT; Filaminopathy (type). Identifiers: Orphanet 171445, MedGen C1836050, MONDO:0012289, OMIM 609524.
Hypertrophic cardiomyopathy 26. Also called: Cardiomyopathy, familial hypertrophic, 26. Identifiers: Orphanet 75249, MedGen C4310749, MONDO:0014883, OMIM 617047.
Distal myopathy with posterior leg and anterior hand involvement. Also called: WILLIAMS DISTAL MYOPATHY. Identifiers: Orphanet 63273, MedGen C3279722, MONDO:0013550, OMIM 614065.
Cardiovascular phenotype. Identifiers: MedGen CN230736.

Allele frequency attached by ClinVar (database versions not stated): gnomAD exomes 0.00001 and 0.00002; ExAC 0.00002; gnomAD 0.00002 and 0.00003; TOPMed 0.00002.
gnomAD v4.1: 22 of 1,613,996 alleles (0.0014%); highest among the groups gnomAD compares: South Asian, 0.0044%; no homozygotes.

Submissions (5):

PreventionGenetics, part of Exact Sciences
Classification: Uncertain significance for FLNC-related condition. Last evaluated: 2026-01-09. Review status: criteria provided, single submitter. Criteria: ACMG Guidelines, 2015. Collection method: clinical testing. Allele origin: germline.
Comment: The FLNC c.5000C>T variant is predicted to result in the amino acid substitution p.Thr1667Met. To our knowledge, this variant has not been reported in the literature. This variant is reported in 0.013% of alleles in individuals of South Asian descent in gnomAD. Although we suspect that this variant may be benign, at this time, the clinical significance of this variant is uncertain due to the absence of conclusive functional and genetic evidence.

Labcorp Genetics (formerly Invitae), Labcorp
Classification: Likely benign for Distal myopathy with posterior leg and anterior hand involvement; Myofibrillar myopathy 5; Hypertrophic cardiomyopathy 26. Last evaluated: 2025-09-03. Review status: criteria provided, single submitter. Criteria: Invitae Variant Classification Sherloc (09022015). Collection method: clinical testing. Allele origin: germline.

Ambry Genetics
Classification: Uncertain significance for Cardiovascular phenotype. Last evaluated: 2024-09-11. Review status: criteria provided, single submitter. Criteria: Ambry Variant Classification Scheme 2023. Collection method: clinical testing. Allele origin: germline.
Comment: The p.T1667M variant (also known as c.5000C>T), located in coding exon 30 of the FLNC gene, results from a C to T substitution at nucleotide position 5000. The threonine at codon 1667 is replaced by methionine, an amino acid with similar properties. This amino acid position is conserved. In addition, the in silico prediction for this alteration is inconclusive. Since supporting evidence is limited at this time, the clinical significance of this alteration remains unclear.

GeneDx
Classification: Uncertain significance. Last evaluated: 2024-01-30. Review status: criteria provided, single submitter. Criteria: GeneDx Variant Classification Process June 2021. Collection method: clinical testing. Allele origin: germline. Affected: yes.
Comment: Has not been previously published as pathogenic or benign to our knowledge; In silico analysis supports that this missense variant has a deleterious effect on protein structure/function

Human Genetics Bochum, Ruhr University Bochum
Classification: Uncertain significance for Myofibrillar myopathy 5. Last evaluated: 2023-07-28. Review status: criteria provided, single submitter. Criteria: ACMG Guidelines, 2015. Collection method: clinical testing. Allele origin: germline. Affected: yes.
Comment: ACMG criteria used to clasify this variant: PP3_MOD